The following is an entry in ClinVar:

ClinVar aggregate classification (germline): Pathogenic/Likely pathogenic. Review status: criteria provided, multiple submitters, no conflicts (2 of 4 stars). 2 submissions from 2 submitters: Pathogenic (1); Likely pathogenic (1). Last evaluated 2024-05-01.

Conditions:
Primary ciliary dyskinesia. Also called: Ciliary dyskinesia. Identifiers: Orphanet 244, MedGen C0008780, MONDO:0016575, HP:0012265.
Primary ciliary dyskinesia 3. Identifiers: Orphanet 244, MedGen C1837618, MONDO:0012085, OMIM 608644.

Allele frequency attached by ClinVar (database versions not stated): gnomAD exomes below 0.00001; TOPMed 0.00001.

Submissions (2):

Fulgent Genetics
Classification: Likely pathogenic for Primary ciliary dyskinesia 3. Last evaluated: 2024-05-01. Review status: criteria provided, single submitter. Criteria: ACMG Guidelines, 2015. Collection method: clinical testing. Allele origin: germline.

Labcorp Genetics (formerly Invitae), Labcorp
Classification: Pathogenic for Primary ciliary dyskinesia. Last evaluated: 2018-09-11. Review status: criteria provided, single submitter. Criteria: Invitae Variant Classification Sherloc (09022015). Collection method: clinical testing. Allele origin: germline.
Comment: Loss-of-function variants in DNAH5 are known to be pathogenic (PMID: 11788826, 16627867). For these reasons, this variant has been classified as Pathogenic. This variant has not been reported in the literature in individuals with DNAH5-related disease. This variant is not present in population databases (ExAC no frequency). This sequence change creates a premature translational stop signal (p.Arg3000Glnfs*28) in the DNAH5 gene. It is expected to result in an absent or disrupted protein product.

Literature cited by the submitters: PubMed 11788826 (cited by Labcorp Genetics (formerly Invitae), Labcorp); PubMed 16627867 (cited by Labcorp Genetics (formerly Invitae), Labcorp).

NM_001369.3(DNAH5):c.8999del (p.Arg3000fs)

Gene: DNAH5 (dynein axonemal heavy chain 5; minus strand). Cytogenetic location: 5p15.2.
Variant type: Deletion.
Coding change: c.8999del on transcript NM_001369.3 (MANE Select); coding-DNA position 8999, one base deleted (G; older notation c.8999delG).
Protein change: p.Arg3000fs; shifts the reading frame from arginine 3000.
Molecular consequence: frameshift variant.
Genome position (GRCh38, 1-based): chr5:13,777,308, C deleted on the plus strand (G on the coding strand, the reverse complement: DNAH5 is on the minus strand). VCF-style (leftmost placement, unchanged base first): chr5-13777307-TC-T. GRCh37 (hg19) VCF-style: chr5-13777416-TC-T.
Other names: c.8999delG (NM_001369.2); short protein forms R3000fs.
Identifiers: ClinVar variation 656450 (VCV000656450.8), dbSNP rs1580180757, ClinGen allele CA915943335.